The following is an entry in ClinVar:

ClinVar aggregate classification (germline): Benign (1 of 4 stars; one submission).

Allele frequency attached by ClinVar (database versions not stated): gnomAD 0.36618 and 0.37571; TOPMed 0.37906; 1000 Genomes Project 30x 0.40037; 1000 Genomes Project 0.40795; gnomAD exomes 0.47759.
gnomAD v4.1: 232,535 of 518,082 alleles (45%); highest among the groups gnomAD compares: Middle Eastern, 55%; 55,926 homozygotes.

Submission:

GeneDx
Classification: Benign. Last evaluated: 2018-06-15. Review status: criteria provided, single submitter. Criteria: GeneDx Variant Classification (06012015). Collection method: clinical testing. Allele origin: germline. Affected: yes.
Comment: This variant is considered likely benign or benign based on one or more of the following criteria: it is a conservative change, it occurs at a poorly conserved position in the protein, it is predicted to be benign by multiple in silico algorithms, and/or has population frequency not consistent with disease.

NM_001105206.3(LAMA4):c.1078-222C>A

Gene: LAMA4 (laminin subunit alpha 4; minus strand). Cytogenetic location: 6q21.
Variant type: single nucleotide variant.
Coding change: c.1078-222C>A on transcript NM_001105206.3 (MANE Select); 222 bases into the intron before coding-DNA position 1078, C replaced by A.
Molecular consequence: intron variant.
Genome position (GRCh38, 1-based): chr6:112,178,454, G>T on the plus strand (C>A on the coding strand, the complement: LAMA4 is on the minus strand). VCF-style: chr6-112178454-G-T. GRCh37 (hg19) VCF-style: chr6-112499656-G-T.
Other names: c.1057-222C>A (NM_002290.5, NM_001105207.3).
Identifiers: ClinVar variation 678499 (VCV000678499.1), dbSNP rs9400520, ClinGen allele CA12277412.
Genomic context (GRCh38, chr6:112,178,454, plus strand): 5'-AGGTAATGTGATGGCCAGTTTTACTTTTAAAAAATTTTTTAATTTTTCCGTAAGTTATTG[G>T]GGTATAGGTGGTATTTGGTTACATGAGTAAGTTCTTTAGTGGTGATTTGTTAGACTTTGG-3'